The following is an entry in ClinVar:

NM_032271.3(TRAF7):c.835C>G (p.Leu279Val)

Gene: TRAF7 (TNF receptor associated factor 7; plus strand). Cytogenetic location: 16p13.3.
Variant type: single nucleotide variant.
Coding change: c.835C>G on transcript NM_032271.3 (MANE Select); coding-DNA position 835, C replaced by G.
Protein change: p.Leu279Val; replaces leucine 279 with valine.
Molecular consequence: missense variant.
Genome position (GRCh38, 1-based): chr16:2,173,222, C>G. VCF-style: chr16-2173222-C-G. GRCh37 (hg19) VCF-style: chr16-2223223-C-G.
Other names: short protein forms L279V.
Identifiers: ClinVar variation 2672608 (VCV002672608.23), dbSNP rs2545006425, ClinGen allele CA394325577.

ClinVar aggregate classification (germline): Uncertain significance (1 of 4 stars; one submission).

gnomAD v4.1: 1 of 1,612,438 alleles (0.000062%); highest among the groups gnomAD compares: Non-Finnish European, 0.000085%; no homozygotes.

Submission:

CeGaT Center for Human Genetics Tuebingen
Classification: Uncertain significance. Last evaluated: 2023-11-01. Review status: criteria provided, single submitter. Criteria: CeGaT Center For Human Genetics Tuebingen Variant Classification Criteria Version 2. Collection method: clinical testing. Allele origin: germline. Affected: yes. Observed: 1 variant allele.
Comment: TRAF7: PM2